The following is an entry in ClinVar:

NM_000384.3(APOB):c.10504G>C (p.Gly3502Arg)

Gene: APOB (apolipoprotein B; minus strand). Cytogenetic location: 2p24.1.
Variant type: single nucleotide variant.
Coding change: c.10504G>C on transcript NM_000384.3 (MANE Select); coding-DNA position 10504, G replaced by C.
Protein change: p.Gly3502Arg; replaces glycine 3502 with arginine.
Molecular consequence: missense variant.
Genome position (GRCh38, 1-based): chr2:21,006,364, C>G on the plus strand (G>C on the coding strand, the complement: APOB is on the minus strand). VCF-style: chr2-21006364-C-G. GRCh37 (hg19) VCF-style: chr2-21229236-C-G.
Other names: short protein forms G3502R.
Identifiers: ClinVar variation 3884752 (VCV003884752.2).

ClinVar aggregate classification (germline): Uncertain significance. Review status: criteria provided, multiple submitters, no conflicts (2 of 4 stars). 2 submissions from 2 submitters: Uncertain significance (2). Last evaluated 2025-03-06.

Conditions:
Cardiovascular phenotype. Identifiers: MedGen CN230736.

gnomAD v4.1: 1 of 1,613,808 alleles (0.000062%); highest among the groups gnomAD compares: African/African-American, 0.0013%; no homozygotes.

Submissions (2):

GeneDx
Classification: Uncertain significance. Last evaluated: 2025-03-06. Review status: criteria provided, single submitter. Criteria: GeneDx Variant Classification Process June 2021. Collection method: clinical testing. Allele origin: germline. Affected: yes.
Comment: Not observed at significant frequency in large population cohorts (gnomAD); In silico analysis supports that this missense variant has a deleterious effect on protein structure/function; Has not been previously published as pathogenic or benign to our knowledge

Ambry Genetics
Classification: Uncertain significance for Cardiovascular phenotype. Last evaluated: 2025-02-10. Review status: criteria provided, single submitter. Criteria: Ambry Variant Classification Scheme 2023. Collection method: clinical testing. Allele origin: germline.
Comment: The p.G3502R variant (also known as c.10504G>C), located in coding exon 26 of the APOB gene, results from a G to C substitution at nucleotide position 10504. The glycine at codon 3502 is replaced by arginine, an amino acid with dissimilar properties. This amino acid position is conserved. In addition, the in silico prediction for this alteration is inconclusive. Based on the available evidence, the clinical significance of this variant remains unclear.